The following is an entry in ClinVar:

ClinVar aggregate classification (germline): Pathogenic (1 of 4 stars; one submission).

Conditions:
Hereditary spastic paraplegia 4. Also called: Spastic paraplegia 4, autosomal dominant; Familial spastic paraplegia autosomal dominant 2; Spastic Paraplegia 4. Identifiers: Orphanet 100985, MedGen C1866855, MONDO:0008438, OMIM 182601.

Submission:

Labcorp Genetics (formerly Invitae), Labcorp
Classification: Pathogenic for Hereditary spastic paraplegia 4. Last evaluated: 2017-03-14. Review status: criteria provided, single submitter. Criteria: Invitae Variant Classification Sherloc (09022015). Collection method: clinical testing. Allele origin: germline.
Comment: This variant is a gross deletion of the genomic region encompassing exons 10-11, and part of exon 12 of the SPAST gene. The 5' boundary is likely confined to intron 9. The 3' end of this event is located at position c.1477 in exon 12 (chr2:32362241). This likely creates a premature stop signal and is expected to result in an absent or disrupted protein product. While this particular variant has not been reported in the literature, loss-of-function variants in SPAST are known to be pathogenic (PMID: 20932283). For these reasons, this variant has been classified as Pathogenic.

NC_000002.12:g.(?_32136543)_(32137208_?)del

Gene: SPAST (spastin; plus strand). Cytogenetic location: 2p22.3.
Variant type: Deletion.
Identifiers: ClinVar variation 468559 (VCV000468559.1).